The following is an entry in ClinVar:

ClinVar aggregate classification (germline): Uncertain significance. Review status: criteria provided, multiple submitters, no conflicts (2 of 4 stars). 2 submissions from 2 submitters: Uncertain significance (2). Last evaluated 2025-03-22.

Conditions:
Melanoma, cutaneous malignant, susceptibility to, 5. Also called: Cutaneous malignant melanoma 5. Identifiers: Orphanet 618, MedGen C2751295, MONDO:0013133, OMIM 613099.

Submissions (2):

Ambry Genetics
Classification: Uncertain significance. Last evaluated: 2025-03-22. Review status: criteria provided, single submitter. Criteria: Ambry Variant Classification Scheme 2023. Collection method: clinical testing. Allele origin: germline.
Comment: The p.I288V variant (also known as c.862A>G), located in coding exon 1 of the MC1R gene, results from an A to G substitution at nucleotide position 862. The isoleucine at codon 288 is replaced by valine, an amino acid with highly similar properties. This amino acid position is conserved. In addition, this alteration is predicted to be tolerated by in silico analysis. Based on the available evidence, the clinical significance of this variant remains unclear.

Labcorp Genetics (formerly Invitae), Labcorp
Classification: Uncertain significance for Melanoma, cutaneous malignant, susceptibility to, 5. Last evaluated: 2020-01-08. Review status: criteria provided, single submitter. Criteria: Invitae Variant Classification Sherloc (09022015). Collection method: clinical testing. Allele origin: germline.
Comment: In summary, the available evidence is currently insufficient to determine the role of this variant in disease. Therefore, it has been classified as a Variant of Uncertain Significance. Algorithms developed to predict the effect of missense changes on protein structure and function (SIFT, PolyPhen-2, Align-GVGD) all suggest that this variant is likely to be tolerated, but these predictions have not been confirmed by published functional studies and their clinical significance is uncertain. This variant has not been reported in the literature in individuals with MC1R-related conditions. This variant is not present in population databases (ExAC no frequency). This sequence change replaces isoleucine with valine at codon 288 of the MC1R protein (p.Ile288Val). The isoleucine residue is highly conserved and there is a small physicochemical difference between isoleucine and valine.

NM_002386.4(MC1R):c.862A>G (p.Ile288Val)

Gene: MC1R (melanocortin 1 receptor; plus strand). Cytogenetic location: 16q24.3.
Variant type: single nucleotide variant.
Coding change: c.862A>G on transcript NM_002386.4 (MANE Select); coding-DNA position 862, A replaced by G.
Protein change: p.Ile288Val; replaces isoleucine 288 with valine.
Molecular consequence: missense variant.
Genome position (GRCh38, 1-based): chr16:89,920,120, A>G. VCF-style: chr16-89920120-A-G. GRCh37 (hg19) VCF-style: chr16-89986528-A-G.
Other names: c.862A>G (NM_002386.3); short protein forms I288V.
Identifiers: ClinVar variation 1039453 (VCV001039453.10), dbSNP rs1365355512, ClinGen allele CA397463550.